The following is an entry in ClinVar:

NM_001206927.2(DNAH8):c.11162A>G (p.Asp3721Gly)

Genes: DNAH8 (dynein axonemal heavy chain 8; plus strand), DNAH8-AS1 (DNAH8 antisense RNA 1; minus strand). Cytogenetic location: 6p21.2.
Variant type: single nucleotide variant.
Coding change: c.11162A>G on transcript NM_001206927.2 (MANE Select); coding-DNA position 11162, A replaced by G.
Protein change: p.Asp3721Gly; replaces aspartic acid 3721 with glycine.
Molecular consequence: missense variant.
Genome position (GRCh38, 1-based): chr6:38,929,554, A>G. VCF-style: chr6-38929554-A-G. GRCh37 (hg19) VCF-style: chr6-38897330-A-G.
Other names: c.10511A>G, p.Asp3504Gly (NM_001371.4); short protein forms D3504G, D3721G.
Identifiers: ClinVar variation 2159157 (VCV002159157.4), dbSNP rs2533538879, ClinGen allele CA364016404.

ClinVar aggregate classification (germline): Uncertain significance (1 of 4 stars; one submission).

Conditions:
Primary ciliary dyskinesia. Also called: Ciliary dyskinesia. Identifiers: Orphanet 244, MedGen C0008780, MONDO:0016575, HP:0012265.

Allele frequency attached by ClinVar (database versions not stated): gnomAD exomes below 0.00001.
gnomAD v4.1: 1 of 1,613,290 alleles (0.000062%); highest among the groups gnomAD compares: Non-Finnish European, 0.000085%; no homozygotes.

Submission:

Labcorp Genetics (formerly Invitae), Labcorp
Classification: Uncertain significance for Primary ciliary dyskinesia. Last evaluated: 2024-02-23. Review status: criteria provided, single submitter. Criteria: Invitae Variant Classification Sherloc (09022015). Collection method: clinical testing. Allele origin: germline.
Comment: This sequence change replaces aspartic acid, which is acidic and polar, with glycine, which is neutral and non-polar, at codon 3721 of the DNAH8 protein (p.Asp3721Gly). This variant is not present in population databases (gnomAD no frequency). This variant has not been reported in the literature in individuals affected with DNAH8-related conditions. ClinVar contains an entry for this variant (Variation ID: 2159157). Advanced modeling of protein sequence and biophysical properties (such as structural, functional, and spatial information, amino acid conservation, physicochemical variation, residue mobility, and thermodynamic stability) performed at Invitae indicates that this missense variant is expected to disrupt DNAH8 protein function with a positive predictive value of 80%. In summary, the available evidence is currently insufficient to determine the role of this variant in disease. Therefore, it has been classified as a Variant of Uncertain Significance.